The following is an entry in ClinVar:

ClinVar aggregate classification (germline): Uncertain significance (1 of 4 stars; one submission).

Conditions:
Blau syndrome (BLAUS). Also called: GRANULOMATOSIS, FAMILIAL JUVENILE SYSTEMIC; GRANULOMATOSIS, FAMILIAL, BLAU TYPE; GRANULOMATOUS INFLAMMATORY ARTHRITIS, DERMATITIS, AND UVEITIS, FAMILIAL; JABS SYNDROME; ARTHROCUTANEOUVEAL GRANULOMATOSIS. Identifiers: Orphanet 90340, MedGen C5201146, MONDO:0008523, OMIM 186580.
Regional enteritis. Also called: Enteritis, Granulomatous. Identifiers: MedGen C0678202, MeSH D003424.

Submission:

Labcorp Genetics (formerly Invitae), Labcorp
Classification: Uncertain significance for Regional enteritis; Blau syndrome. Last evaluated: 2023-10-04. Review status: criteria provided, single submitter. Criteria: Invitae Variant Classification Sherloc (09022015). Collection method: clinical testing. Allele origin: germline.
Comment: This sequence change replaces alanine, which is neutral and non-polar, with threonine, which is neutral and polar, at codon 868 of the NOD2 protein (p.Ala868Thr). This variant is not present in population databases (gnomAD no frequency). This variant has not been reported in the literature in individuals affected with NOD2-related conditions. Advanced modeling of protein sequence and biophysical properties (such as structural, functional, and spatial information, amino acid conservation, physicochemical variation, residue mobility, and thermodynamic stability) performed at Invitae indicates that this missense variant is not expected to disrupt NOD2 protein function. In summary, the available evidence is currently insufficient to determine the role of this variant in disease. Therefore, it has been classified as a Variant of Uncertain Significance.

NM_001370466.1(NOD2):c.2521G>A (p.Ala841Thr)

Gene: NOD2 (nucleotide binding oligomerization domain containing 2; plus strand). Cytogenetic location: 16q12.1.
Variant type: single nucleotide variant.
Coding change: c.2521G>A on transcript NM_001370466.1 (MANE Select); coding-DNA position 2521, G replaced by A.
Protein change: p.Ala841Thr; replaces alanine 841 with threonine.
Molecular consequence: missense variant. On other transcripts: non-coding transcript variant (1).
Genome position (GRCh38, 1-based): chr16:50,716,946, G>A. VCF-style: chr16-50716946-G-A. GRCh37 (hg19) VCF-style: chr16-50750857-G-A.
Other names: c.2521G>A, p.Ala841Thr (NM_001293557.2); c.2602G>A, p.Ala868Thr (NM_022162.3); short protein forms A841T, A868T.
Identifiers: ClinVar variation 2927223 (VCV002927223.3), dbSNP rs2506474186, ClinGen allele CA395873878.